The following is an entry in ClinVar:

NM_001134407.3(GRIN2A):c.3596C>T (p.Pro1199Leu)

Gene: GRIN2A (glutamate ionotropic receptor NMDA type subunit 2A; minus strand). Cytogenetic location: 16p13.2.
Variant type: single nucleotide variant.
Coding change: c.3596C>T on transcript NM_001134407.3 (MANE Select); coding-DNA position 3596, C replaced by T.
Protein change: p.Pro1199Leu; replaces proline 1199 with leucine.
Molecular consequence: missense variant.
Genome position (GRCh38, 1-based): chr16:9,763,948, G>A on the plus strand (C>T on the coding strand, the complement: GRIN2A is on the minus strand). VCF-style: chr16-9763948-G-A. GRCh37 (hg19) VCF-style: chr16-9857805-G-A.
Other names: c.3596C>T, p.Pro1199Leu (NM_000833.5, NM_001134408.2); short protein forms P1199L.
Identifiers: ClinVar variation 2718188 (VCV002718188.3), dbSNP rs1900727114, ClinGen allele CA394707276.
Genomic context (GRCh38, chr16:9,763,948, plus strand): 5'-GAAAGGCAGCTTCTGCAGTGCGTGGAGTTCTGCCGGTATCGCTCGCTGGTCTCACTGTGC[G>A]GGGAACCCTTGTCTTTCAAGGTGAAGTGCTTGGAGTAGAGTTTATACTGGTCGTTGTTGG-3'
Protein context (NP_001127879.1, residues 1189-1209): KHFTLKDKGS[Pro1199Leu]HSETSERYRQ

ClinVar aggregate classification (germline): Uncertain significance (1 of 4 stars; one submission).

Conditions:
Landau-Kleffner syndrome (FESD). Also called: APHASIA, ACQUIRED, WITH EPILEPSY; EPILEPSY, FOCAL, WITH SPEECH DISORDER AND WITH OR WITHOUT MENTAL RETARDATION. Identifiers: Orphanet 1945, Orphanet 725, Orphanet 98818, MedGen C0282512, MONDO:0009509, OMIM 245570.

Submission:

Labcorp Genetics (formerly Invitae), Labcorp
Classification: Uncertain significance for Landau-Kleffner syndrome. Last evaluated: 2024-02-15. Review status: criteria provided, single submitter. Criteria: Invitae Variant Classification Sherloc (09022015). Collection method: clinical testing. Allele origin: germline.
Comment: This sequence change replaces proline, which is neutral and non-polar, with leucine, which is neutral and non-polar, at codon 1199 of the GRIN2A protein (p.Pro1199Leu). This variant is not present in population databases (gnomAD no frequency). This variant has not been reported in the literature in individuals affected with GRIN2A-related conditions. Advanced modeling of protein sequence and biophysical properties (such as structural, functional, and spatial information, amino acid conservation, physicochemical variation, residue mobility, and thermodynamic stability) performed at Invitae indicates that this missense variant is not expected to disrupt GRIN2A protein function with a negative predictive value of 95%. In summary, the available evidence is currently insufficient to determine the role of this variant in disease. Therefore, it has been classified as a Variant of Uncertain Significance.